The following is an entry in ClinVar:

NM_014141.6(CNTNAP2):c.1346C>G (p.Ser449Ter)

Gene: CNTNAP2 (contactin associated protein 2; plus strand). Cytogenetic location: 7q35.
Variant type: single nucleotide variant.
Coding change: c.1346C>G on transcript NM_014141.6 (MANE Select); coding-DNA position 1346, C replaced by G.
Protein change: p.Ser449Ter; replaces serine 449 with a stop codon.
Molecular consequence: nonsense.
Genome position (GRCh38, 1-based): chr7:147,132,507, C>G. VCF-style: chr7-147132507-C-G. GRCh37 (hg19) VCF-style: chr7-146829599-C-G.
Other names: p.S449*:TCA>TGA; short protein forms S449*.
Identifiers: ClinVar variation 205241 (VCV000205241.2), dbSNP rs796052374, ClinGen allele CA314116.
Genomic context (GRCh38, chr7:147,132,507, plus strand): 5'-GCAAAGTGGGTGTTCACATCAACATCACACAGACCAAGATGAGCCAAATCGATATTTCCT[C>G]AGGTCAGTGAAACCTATTTGACATTTGTTCCTGAAACTTATTGCAATTTCCAGAGTTAAT-3'

ClinVar aggregate classification (germline): Pathogenic (1 of 4 stars; one submission).

gnomAD v4.1: 1 of 1,613,478 alleles (0.000062%); no homozygotes.

Submission:

GeneDx
Classification: Pathogenic. Last evaluated: 2013-05-28. Review status: criteria provided, single submitter. Criteria: GeneDx Variant Classification (06012015). Collection method: clinical testing. Allele origin: germline. Affected: yes.
Comment: p.Ser449Stop (TCA>TGA): c.1346 C>G in exon 8 of the CNTNAP2 gene (NM_014141.4). The Ser449Stop nonsense mutation in the CNTNAP2 gene is predicted to cause loss of normal protein function either through protein truncation or nonsense-mediated mRNA decay. Although this mutation has not been reported previously to our knowledge, other loss-of-function mutations in the CNTNAP2 gene have been reported in association with neurodevelopmental disorders. The variant is found in EPILEPSY panel(s).